The following is an entry in ClinVar:

ClinVar aggregate classification (germline): Uncertain significance. Review status: criteria provided, multiple submitters, no conflicts (2 of 4 stars). 4 submissions from 3 submitters: Uncertain significance (4). Last evaluated 2025-07-20.

Conditions:
Seckel syndrome 1 (SCKL1). Also called: MICROCEPHALIC PRIMORDIAL DWARFISM I. Identifiers: Orphanet 808, MedGen C4551474, MONDO:0008869, OMIM 210600.
Inborn genetic diseases. Identifiers: MedGen C0950123, MeSH D030342.
Familial cutaneous telangiectasia and oropharyngeal predisposition cancer syndrome. Identifiers: Orphanet 313846, MedGen C3281203, MONDO:0013806, OMIM 614564.

Allele frequency attached by ClinVar (database versions not stated): gnomAD exomes 0.00001.
gnomAD v4.1: 14 of 1,613,914 alleles (0.00087%); highest among the groups gnomAD compares: Non-Finnish European, 0.0012%; no homozygotes.

Submissions (4):

Labcorp Genetics (formerly Invitae), Labcorp
Classification: Uncertain significance. Last evaluated: 2025-07-20. Review status: criteria provided, single submitter. Criteria: Invitae Variant Classification Sherloc (09022015). Collection method: clinical testing. Allele origin: germline.
Comment: This sequence change replaces isoleucine, which is neutral and non-polar, with threonine, which is neutral and polar, at codon 493 of the ATR protein (p.Ile493Thr). This variant is not present in population databases (gnomAD no frequency). This variant has not been reported in the literature in individuals affected with ATR-related conditions. ClinVar contains an entry for this variant (Variation ID: 1063644). An algorithm developed to predict the effect of missense changes on protein structure and function (PolyPhen-2) suggests that this variant is likely to be tolerated. In summary, the available evidence is currently insufficient to determine the role of this variant in disease. Therefore, it has been classified as a Variant of Uncertain Significance.

Genome-Nilou Lab
Classification: Uncertain significance for Seckel syndrome 1. Last evaluated: 2023-02-08. Review status: criteria provided, single submitter. Criteria: ACMG Guidelines, 2015. Collection method: clinical testing. Allele origin: germline.

Genome-Nilou Lab
Classification: Uncertain significance for Familial cutaneous telangiectasia and oropharyngeal predisposition cancer syndrome. Last evaluated: 2023-02-08. Review status: criteria provided, single submitter. Criteria: ACMG Guidelines, 2015. Collection method: clinical testing. Allele origin: germline.

Ambry Genetics
Classification: Uncertain significance for Inborn genetic diseases. Last evaluated: 2022-06-12. Review status: criteria provided, single submitter. Criteria: Ambry Variant Classification Scheme 2023. Collection method: clinical testing. Allele origin: germline.
Comment: The p.I493T variant (also known as c.1478T>C), located in coding exon 6 of the ATR gene, results from a T to C substitution at nucleotide position 1478. The isoleucine at codon 493 is replaced by threonine, an amino acid with similar properties. This amino acid position is conserved. In addition, this alteration is predicted to be tolerated by in silico analysis. Since supporting evidence is limited at this time, the clinical significance of this alteration remains unclear.

NM_001184.4(ATR):c.1478T>C (p.Ile493Thr)

Gene: ATR (ATR checkpoint kinase; minus strand). Cytogenetic location: 3q23.
Variant type: single nucleotide variant.
Coding change: c.1478T>C on transcript NM_001184.4 (MANE Select); coding-DNA position 1478, T replaced by C.
Protein change: p.Ile493Thr; replaces isoleucine 493 with threonine.
Molecular consequence: missense variant. On other transcripts: intron variant (1).
Genome position (GRCh38, 1-based): chr3:142,560,326, A>G on the plus strand (T>C on the coding strand, the complement: ATR is on the minus strand). VCF-style: chr3-142560326-A-G. GRCh37 (hg19) VCF-style: chr3-142279168-A-G.
Other names: c.1350-885T>C (NM_001354579.2); short protein forms I493T.
Identifiers: ClinVar variation 1063644 (VCV001063644.11), dbSNP rs2108482764, ClinGen allele CA354822727.